The following is an entry in ClinVar:

NM_003072.5(SMARCA4):c.989C>T (p.Thr330Ile)

Gene: SMARCA4 (SWI/SNF related BAF chromatin remodeling complex subunit ATPase 4; plus strand). Cytogenetic location: 19p13.2.
Variant type: single nucleotide variant.
Coding change: c.989C>T on transcript NM_003072.5 (MANE Select); coding-DNA position 989, C replaced by T.
Protein change: p.Thr330Ile; replaces threonine 330 with isoleucine.
Molecular consequence: missense variant. On other transcripts: non-coding transcript variant (1).
Genome position (GRCh38, 1-based): chr19:10,987,795, C>T. VCF-style: chr19-10987795-C-T. GRCh37 (hg19) VCF-style: chr19-11098471-C-T.
Other names: c.989C>T, p.Thr330Ile (NM_001128844.3, NM_001128845.2, NM_001128846.2 and 5 more transcripts); c.989C>T (NM_001128845.1); short protein forms T330I.
Identifiers: ClinVar variation 480586 (VCV000480586.21), dbSNP rs1555755082, ClinGen allele CA404058588.

ClinVar aggregate classification (germline): Uncertain significance. Review status: criteria provided, multiple submitters, no conflicts (2 of 4 stars). 6 submissions from 5 submitters: Uncertain significance (6). Last evaluated 2025-03-25.

Conditions:
Hereditary cancer-predisposing syndrome. Also called: Hereditary Cancer Syndrome; Neoplastic Syndromes, Hereditary; Tumor predisposition; Hereditary neoplastic syndrome. Identifiers: Orphanet 140162, MedGen C0027672, MeSH D009386, MONDO:0015356.
Intellectual disability, autosomal dominant 16 (CSS4). Also called: COFFIN-SIRIS SYNDROME 4. Identifiers: Orphanet 1465, MedGen C3553249, MONDO:0013821, OMIM 614609.
Rhabdoid tumor predisposition syndrome 2 (RTPS2). Identifiers: Orphanet 231108, Orphanet 69077, MedGen C2750074, MONDO:0013224, OMIM 613325.

Allele frequency attached by ClinVar (database versions not stated): gnomAD exomes below 0.00001; TOPMed below 0.00001.
gnomAD v4.1: 2 of 1,602,486 alleles (0.00012%); highest among the groups gnomAD compares: Non-Finnish European, 0.00017%; no homozygotes.

Submissions (6):

Labcorp Genetics (formerly Invitae), Labcorp
Classification: Uncertain significance for Rhabdoid tumor predisposition syndrome 2. Last evaluated: 2025-03-25. Review status: criteria provided, single submitter. Criteria: Invitae Variant Classification Sherloc (09022015). Collection method: clinical testing. Allele origin: germline.
Comment: This sequence change replaces threonine, which is neutral and polar, with isoleucine, which is neutral and non-polar, at codon 330 of the SMARCA4 protein (p.Thr330Ile). This variant is not present in population databases (gnomAD no frequency). This variant has not been reported in the literature in individuals affected with SMARCA4-related conditions. ClinVar contains an entry for this variant (Variation ID: 480586). Invitae Evidence Modeling of protein sequence and biophysical properties (such as structural, functional, and spatial information, amino acid conservation, physicochemical variation, residue mobility, and thermodynamic stability) indicates that this missense variant is not expected to disrupt SMARCA4 protein function with a negative predictive value of 80%. In summary, the available evidence is currently insufficient to determine the role of this variant in disease. Therefore, it has been classified as a Variant of Uncertain Significance.

Quest Diagnostics Nichols Institute San Juan Capistrano
Classification: Uncertain significance. Last evaluated: 2025-03-14. Review status: criteria provided, single submitter. Criteria: Quest Diagnostics criteria. Collection method: clinical testing. Allele origin: unknown.
Comment: The SMARCA4 c.989C>T (p.Thr330Ile) variant has not been reported in individuals with SMARCA4-related conditions in the published literature. It also has not been reported in large, multi-ethnic general populations (Genome Aggregation Database). Analysis of this variant using bioinformatics tools for the prediction of the effect of amino acid changes on protein structure and function yielded predictions that this variant is benign. Based on the available information, we are unable to determine the clinical significance of this variant.

Ambry Genetics
Classification: Uncertain significance for Hereditary cancer-predisposing syndrome. Last evaluated: 2024-05-24. Review status: criteria provided, single submitter. Criteria: Ambry Variant Classification Scheme 2023. Collection method: clinical testing. Allele origin: germline.
Comment: The p.T330I variant (also known as c.989C>T), located in coding exon 5 of the SMARCA4 gene, results from a C to T substitution at nucleotide position 989. The threonine at codon 330 is replaced by isoleucine, an amino acid with similar properties. This amino acid position is well conserved in available vertebrate species. In addition, the in silico prediction for this alteration is inconclusive. Missense and in-frame variants in SMARCA4 are known to cause neurodevelopmental disorders; however, such associations with rhabdoid tumor predisposition syndrome including small cell carcinoma of the ovary-hypercalcemic type (SCCOHT) are exceedingly rare (Kosho T et al. Am J Med Genet C Semin Med Genet. 2014 Sep;166C(3):262-75; Jelinic P et al. Nat Genet. 2014 May;46(5):424-6). Based on the supporting evidence, the association of this alteration with Coffin-Siris syndrome is unknown; however, the association of this alteration with rhabdoid tumor predisposition syndrome is unlikely.

Baylor Genetics
Classification: Uncertain significance for Rhabdoid tumor predisposition syndrome 2. Last evaluated: 2023-12-27. Review status: criteria provided, single submitter. Criteria: ACMG Guidelines, 2015. Collection method: clinical testing. Allele origin: unknown.

Baylor Genetics
Classification: Uncertain significance for Intellectual disability, autosomal dominant 16. Last evaluated: 2022-11-11. Review status: criteria provided, single submitter. Criteria: ACMG Guidelines, 2015. Collection method: clinical testing. Allele origin: unknown.

Genome-Nilou Lab
Classification: Uncertain significance for Intellectual disability, autosomal dominant 16. Last evaluated: 2021-07-15. Review status: criteria provided, single submitter. Criteria: ACMG Guidelines, 2015. Collection method: clinical testing. Allele origin: germline. Affected: no.